The following is an entry in ClinVar:

NM_001122659.3(EDNRB):c.1082T>G (p.Leu361Trp)

Genes: EDNRB (endothelin receptor type B; minus strand), EDNRB-AS1 (EDNRB antisense RNA 1; plus strand). Cytogenetic location: 13q22.3.
Variant type: single nucleotide variant.
Coding change: c.1082T>G on transcript NM_001122659.3 (MANE Select); coding-DNA position 1082, T replaced by G.
Protein change: p.Leu361Trp; replaces leucine 361 with tryptophan.
Molecular consequence: missense variant.
Genome position (GRCh38, 1-based): chr13:77,900,524, A>C on the plus strand (T>G on the coding strand, the complement: EDNRB is on the minus strand). VCF-style: chr13-77900524-A-C. GRCh37 (hg19) VCF-style: chr13-78474659-A-C.
Other names: c.1082T>G, p.Leu361Trp (NM_000115.5, NM_003991.4); c.1352T>G, p.Leu451Trp (NM_001201397.2); short protein forms L361W, L451W.
Identifiers: ClinVar variation 2751422 (VCV002751422.3), dbSNP rs2501530230, ClinGen allele CA388451389.

ClinVar aggregate classification (germline): Uncertain significance (1 of 4 stars; one submission).

Submission:

Labcorp Genetics (formerly Invitae), Labcorp
Classification: Uncertain significance. Last evaluated: 2023-08-09. Review status: criteria provided, single submitter. Criteria: Invitae Variant Classification Sherloc (09022015). Collection method: clinical testing. Allele origin: germline.
Comment: This variant is not present in population databases (gnomAD no frequency). This variant has not been reported in the literature in individuals affected with EDNRB-related conditions. An algorithm developed to predict the effect of missense changes on protein structure and function (PolyPhen-2) suggests that this variant is likely to be disruptive. In summary, the available evidence is currently insufficient to determine the role of this variant in disease. Therefore, it has been classified as a Variant of Uncertain Significance. This sequence change replaces leucine, which is neutral and non-polar, with tryptophan, which is neutral and slightly polar, at codon 361 of the EDNRB protein (p.Leu361Trp).